The following is an entry in ClinVar:

ClinVar aggregate classification (germline): Pathogenic (1 of 4 stars; one submission).

Submission:

Labcorp Genetics (formerly Invitae), Labcorp
Classification: Pathogenic. Last evaluated: 2026-01-11. Review status: criteria provided, single submitter. Criteria: Invitae Variant Classification Sherloc (09022015). Collection method: clinical testing. Allele origin: germline.
Comment: This sequence change creates a premature translational stop signal (p.Phe622Leufs*176) in the COL4A1 gene. It is expected to result in an absent or disrupted protein product. Loss-of-function variants in COL4A1 are known to be pathogenic (PMID: 23225343). This variant is not present in population databases (gnomAD no frequency). This variant has not been reported in the literature in individuals affected with COL4A1-related conditions. For these reasons, this variant has been classified as Pathogenic.

Literature cited by the submitters: PubMed 23225343.

NM_001845.6(COL4A1):c.1866_1878del (p.Phe622fs)

Gene: COL4A1 (collagen type IV alpha 1 chain; minus strand). Cytogenetic location: 13q34.
Variant type: Deletion.
Coding change: c.1866_1878del on transcript NM_001845.6 (MANE Select); coding-DNA positions 1866 to 1878, 13 bases deleted (TCCTGGAGGCCCT).
Protein change: p.Phe622fs; shifts the reading frame from phenylalanine 622.
Molecular consequence: frameshift variant.
Genome position (GRCh38, 1-based): chr13:110,186,404-110,186,416, AGGGCCTCCAGGA deleted on the plus strand (TCCTGGAGGCCCT on the coding strand, the reverse complement: COL4A1 is on the minus strand); deleting any 13 consecutive bases within chr13:110,186,404-110,186,417 gives the same sequence; the c. name uses the placement nearest the transcript's 3' end. VCF-style (leftmost placement, unchanged base first): chr13-110186403-CAGGGCCTCCAGGA-C. GRCh37 (hg19) VCF-style: chr13-110838750-CAGGGCCTCCAGGA-C.
Other names: short protein forms F622fs.
Identifiers: ClinVar variation 4733287 (VCV004733287.1).
Genomic context (GRCh38, chr13:110,186,403, plus strand): 5'-GTTTACAACTTCATGCTGCATCACGAGTTTCTCAGGCCTCACCTGGCAGGCCTGGGGATC[CAGGGCCTCCAGGA>C]AAGCCTGCTTGTCCTTTGTCACCAATGGGACCAGCAGGACCATATCCTGGAGGCCCAGGG-3'